The following is an entry in ClinVar:

NM_000153.4(GALC):c.1911+1G>A

Gene: GALC (galactosylceramidase; minus strand). Cytogenetic location: 14q31.3.
Variant type: single nucleotide variant.
Coding change: c.1911+1G>A on transcript NM_000153.4 (MANE Select); the canonical splice donor site of the intron after coding-DNA position 1911, G replaced by A.
Molecular consequence: splice donor variant.
Genome position (GRCh38, 1-based): chr14:87,939,904, C>T on the plus strand (G>A on the coding strand, the complement: GALC is on the minus strand). VCF-style: chr14-87939904-C-T. GRCh37 (hg19) VCF-style: chr14-88406248-C-T.
Other names: c.1278+1G>A (NM_001424076.1, NM_001424077.1); c.1833+1G>A (NM_001201402.2); c.1842+1G>A (NM_001201401.2); c.1563+1G>A (NM_001424075.1, NM_001424074.1); c.1743+1G>A (NM_001424072.1, NM_001424073.1, NM_001424071.1).
Identifiers: ClinVar variation 4819139 (VCV004819139.2).

ClinVar aggregate classification (germline): Pathogenic/Likely pathogenic. Review status: criteria provided, multiple submitters, no conflicts (2 of 4 stars). 2 submissions from 2 submitters: Pathogenic (1); Likely pathogenic (1). Last evaluated 2026-01-19.

Conditions:
GALC-related disorders.
Galactosylceramide beta-galactosidase deficiency. Also called: GALACTOCEREBROSIDASE DEFICIENCY; GALC DEFICIENCY; GLOBOID CELL LEUKOENCEPHALOPATHY; Leukodystrophy, Globoid Cell; Krabbe Disease. Identifiers: Orphanet 487, MedGen C0023521, MONDO:0009499, OMIM 245200.

Submissions (2):

Institute of Human Genetics, University of Leipzig Medical Center
Classification: Pathogenic for Galactosylceramide beta-galactosidase deficiency. Last evaluated: 2026-01-19. Review status: criteria provided, single submitter. Criteria: ACMG Guidelines, 2015. Collection method: clinical testing. Allele origin: unknown. Inheritance: Autosomal recessive inheritance. Affected: yes.
Comment: Criteria applied: PVS1,PM2,PM3_SUP

Blueprint Genetics
Classification: Likely pathogenic for GALC-related disorders. Last evaluated: 2024-03-14. Review status: criteria provided, single submitter. Criteria: ACMG Guidelines, 2015. Collection method: clinical testing. Allele origin: germline. Affected: yes. Observed: 2 variant alleles.